The following is an entry in ClinVar:

NM_007118.4(TRIO):c.5847T>C (p.Leu1949=)

Gene: TRIO (trio Rho guanine nucleotide exchange factor; plus strand). Cytogenetic location: 5p15.2.
Variant type: single nucleotide variant.
Coding change: c.5847T>C on transcript NM_007118.4 (MANE Select); coding-DNA position 5847, T replaced by C.
Protein change: p.Leu1949=; no amino-acid change (leucine 1949 retained).
Molecular consequence: synonymous variant. On other transcripts: non-coding transcript variant (1).
Genome position (GRCh38, 1-based): chr5:14,471,401, T>C. VCF-style: chr5-14471401-T-C. GRCh37 (hg19) VCF-style: chr5-14471510-T-C.
Identifiers: ClinVar variation 3049550 (VCV003049550.2), dbSNP rs761681614, ClinGen allele CA114001529.

ClinVar aggregate classification (germline): Likely benign (0 of 4 stars; one submission).

Conditions:
TRIO-related disorder. Also called: TRIO-related disorders; TRIO-related condition.

Allele frequency attached by ClinVar (database versions not stated): gnomAD 0.00001; TOPMed 0.00001; gnomAD exomes 0.00002.
gnomAD v4.1: 26 of 1,614,076 alleles (0.0016%); highest among the groups gnomAD compares: Non-Finnish European, 0.0021%; no homozygotes.

Submission:

PreventionGenetics, part of Exact Sciences
Classification: Likely benign for TRIO-related condition. Last evaluated: 2019-07-08. Review status: no assertion criteria provided. Collection method: clinical testing. Allele origin: germline.
Comment: This variant is classified as likely benign based on ACMG/AMP sequence variant interpretation guidelines (Richards et al. 2015 PMID: 25741868, with internal and published modifications).